The following is an entry in ClinVar:

NM_001267550.2(TTN):c.107253C>G (p.Ser35751Arg)

Genes: TTN (titin; minus strand), TTN-AS1 (TTN antisense RNA 1; plus strand). Cytogenetic location: 2q31.2.
Variant type: single nucleotide variant.
Coding change: c.107253C>G on transcript NM_001267550.2 (MANE Select); coding-DNA position 107253, C replaced by G.
Protein change: p.Ser35751Arg; replaces serine 35751 with arginine.
Molecular consequence: missense variant.
Genome position (GRCh38, 1-based): chr2:178,528,398, G>C on the plus strand (C>G on the coding strand, the complement: TTN is on the minus strand). VCF-style: chr2-178528398-G-C. GRCh37 (hg19) VCF-style: chr2-179393125-G-C.
Other names: c.102330C>G, p.Ser34110Arg (NM_001256850.1); c.80058C>G, p.Ser26686Arg (NM_003319.4); c.99549C>G, p.Ser33183Arg (NM_133378.4); c.80433C>G, p.Ser26811Arg (NM_133432.3); c.80634C>G, p.Ser26878Arg (NM_133437.4); short protein forms S26686R, S26811R, S33183R, S34110R, S26878R, S35751R.
Identifiers: ClinVar variation 4789994 (VCV004789994.1).

ClinVar aggregate classification (germline): Uncertain significance (1 of 4 stars; one submission).

Conditions:
Autosomal recessive limb-girdle muscular dystrophy type 2J (LGMDR10). Also called: Limb-girdle muscular dystrophy, type 2J; MUSCULAR DYSTROPHY, LIMB-GIRDLE, AUTOSOMAL RECESSIVE 10. Identifiers: Orphanet 140922, MedGen C1837342, MONDO:0012127, OMIM 608807.
Dilated cardiomyopathy 1G (CMD1G). Identifiers: Orphanet 154, MedGen C1858763, MONDO:0011400, OMIM 604145.

gnomAD v4.1: 1 of 1,613,816 alleles (0.000062%); no homozygotes.

Submission:

Labcorp Genetics (formerly Invitae), Labcorp
Classification: Uncertain significance for Dilated cardiomyopathy 1G; Autosomal recessive limb-girdle muscular dystrophy type 2J. Last evaluated: 2025-08-10. Review status: criteria provided, single submitter. Criteria: Invitae Variant Classification Sherloc (09022015). Collection method: clinical testing. Allele origin: germline.
Comment: This sequence change replaces serine, which is neutral and polar, with arginine, which is basic and polar, at codon 35751 of the TTN protein (p.Ser35751Arg). This variant is not present in population databases (gnomAD no frequency). This variant has not been reported in the literature in individuals affected with TTN-related conditions. Experimental studies and prediction algorithms are not available or were not evaluated, and the functional significance of this variant is currently unknown. This variant is located in the M band of TTN (PMID: 25589632). Non-truncating variants in this region may be relevant for neuromuscular disorders, but have not been definitively shown to cause cardiomyopathy (PMID: 23975875). In summary, the available evidence is currently insufficient to determine the role of this variant in disease. Therefore, it has been classified as a Variant of Uncertain Significance.

Literature cited by the submitters: PubMed 25589632; PubMed 23975875.